The following is an entry in ClinVar:

ClinVar aggregate classification (germline): Conflicting classifications of pathogenicity. Review status: criteria provided, conflicting classifications (1 of 4 stars). 3 submissions from 3 submitters: Uncertain significance (2); Likely benign (1). Last evaluated 2025-10-01.

Conditions:
ILDR1-related disorder. Also called: ILDR1-related condition.

Allele frequency attached by ClinVar (database versions not stated): gnomAD 0.00015; TOPMed 0.00015; 1000 Genomes Project 30x 0.00016; 1000 Genomes Project 0.00020; gnomAD exomes 0.00025 and 0.00028; ExAC 0.00029.
gnomAD v4.1: 398 of 1,613,852 alleles (0.025%); highest among the groups gnomAD compares: Middle Eastern, 0.033%; 1 homozygote.

Submissions (3):

Labcorp Genetics (formerly Invitae), Labcorp
Classification: Likely benign. Last evaluated: 2025-10-01. Review status: criteria provided, single submitter. Criteria: Invitae Variant Classification Sherloc (09022015). Collection method: clinical testing. Allele origin: germline.

GeneDx
Classification: Uncertain significance. Last evaluated: 2025-09-08. Review status: criteria provided, single submitter. Criteria: GeneDx Variant Classification Process June 2021. Collection method: clinical testing. Allele origin: germline. Affected: yes.
Comment: Reported in the heterozygous state in unrelated patients with hearing loss in published literature (Markova et al., 2016; Boucher et al., 2020); In silico analysis supports that this missense variant has a deleterious effect on protein structure/function; This variant is associated with the following publications: (PMID: 27260575, 33229591)

PreventionGenetics, part of Exact Sciences
Classification: Uncertain significance for ILDR1-related condition. Last evaluated: 2025-01-09. Review status: criteria provided, single submitter. Criteria: ACMG Guidelines, 2015. Collection method: clinical testing. Allele origin: germline.
Comment: The ILDR1 c.307G>A variant is predicted to result in the amino acid substitution p.Ala103Thr. This variant was reported in at least two individuals with non-syndromic hearing loss, however no additional information including zygosity was provided (Table 2, Marková et al. 2016. PubMed ID: 27260575; Table S8, Boucher et al. 2020. PubMed ID: 33229591). This variant is reported in 0.31% of alleles in individuals of Ashkenazi Jewish descent in gnomAD. While we suspect this variant may be benign, at this time the clinical significance of this variant is uncertain due to the absence of conclusive functional and genetic evidence.

NM_001199799.2(ILDR1):c.307G>A (p.Ala103Thr)

Gene: ILDR1 (immunoglobulin like domain containing receptor 1; minus strand). Cytogenetic location: 3q13.33.
Variant type: single nucleotide variant.
Coding change: c.307G>A on transcript NM_001199799.2 (MANE Select); coding-DNA position 307, G replaced by A.
Protein change: p.Ala103Thr; replaces alanine 103 with threonine.
Molecular consequence: missense variant.
Genome position (GRCh38, 1-based): chr3:122,005,316, C>T on the plus strand (G>A on the coding strand, the complement: ILDR1 is on the minus strand). VCF-style: chr3-122005316-C-T. GRCh37 (hg19) VCF-style: chr3-121724163-C-T.
Other names: c.307G>A, p.Ala103Thr (NM_001199800.2, NM_175924.4); short protein forms A103T.
Identifiers: ClinVar variation 789168 (VCV000789168.14), dbSNP rs200130100, ClinGen allele CA2568981.